The following is an entry in ClinVar:

NM_017617.5(NOTCH1):c.6011G>A (p.Arg2004His)

Genes: NOTCH1 (notch receptor 1; minus strand), LOC126860794 (BRD4-independent group 4 enhancer GRCh37_chr9:139392592-139393791; plus strand). Cytogenetic location: 9q34.3.
Variant type: single nucleotide variant.
Coding change: c.6011G>A on transcript NM_017617.5 (MANE Select); coding-DNA position 6011, G replaced by A.
Protein change: p.Arg2004His; replaces arginine 2004 with histidine.
Molecular consequence: missense variant.
Genome position (GRCh38, 1-based): chr9:136,499,183, C>T on the plus strand (G>A on the coding strand, the complement: NOTCH1 is on the minus strand). VCF-style: chr9-136499183-C-T. GRCh37 (hg19) VCF-style: chr9-139393635-C-T.
Other names: short protein forms R2004H.
Identifiers: ClinVar variation 3690663 (VCV003690663.2).

ClinVar aggregate classification (germline): Uncertain significance (1 of 4 stars; one submission).

Conditions:
Adams-Oliver syndrome 5 (AOS5). Identifiers: Orphanet 974, MedGen C4014970, MONDO:0014459, OMIM 616028.

gnomAD v4.1: 1 of 1,613,352 alleles (0.000062%); no homozygotes.

Submission:

Labcorp Genetics (formerly Invitae), Labcorp
Classification: Uncertain significance for Adams-Oliver syndrome 5. Last evaluated: 2024-03-14. Review status: criteria provided, single submitter. Criteria: Invitae Variant Classification Sherloc (09022015). Collection method: clinical testing. Allele origin: germline.
Comment: This sequence change replaces arginine, which is basic and polar, with histidine, which is basic and polar, at codon 2004 of the NOTCH1 protein (p.Arg2004His). This variant is not present in population databases (gnomAD no frequency). This variant has not been reported in the literature in individuals affected with NOTCH1-related conditions. Advanced modeling of protein sequence and biophysical properties (such as structural, functional, and spatial information, amino acid conservation, physicochemical variation, residue mobility, and thermodynamic stability) performed at Invitae indicates that this missense variant is expected to disrupt NOTCH1 protein function with a positive predictive value of 80%. In summary, the available evidence is currently insufficient to determine the role of this variant in disease. Therefore, it has been classified as a Variant of Uncertain Significance.